The following is an entry in ClinVar:

ClinVar aggregate classification (germline): Pathogenic. Review status: reviewed by expert panel (3 of 4 stars). 8 submissions from 8 submitters: Pathogenic (1). 7 of the submissions do not count toward it. Last evaluated 2016-09-08.

Conditions:
Hereditary cancer-predisposing syndrome. Also called: Tumor predisposition; Neoplastic Syndromes, Hereditary; Hereditary neoplastic syndrome; Hereditary Cancer Syndrome. Identifiers: Orphanet 140162, MedGen C0027672, MeSH D009386, MONDO:0015356.
Hereditary breast ovarian cancer syndrome. Also called: Hereditary breast and ovarian cancer; Hereditary breast and ovarian cancer syndrome (HBOC); Hereditary breast and/or ovarian cancer syndrome; Breast and ovarian cancer; Hereditary breast and ovarian cancer syndrome; BRCA1- and BRCA2-Associated Hereditary Breast and Ovarian Cancer. Identifiers: Orphanet 145, MedGen C0677776, MeSH D061325, MONDO:0003582. Disease mechanism: loss of function.
Breast-ovarian cancer, familial, susceptibility to, 2 (BROVCA2). Also called: BRCA2 Hereditary Breast and Ovarian Cancer. Identifiers: Orphanet 145, MedGen C2675520, MONDO:0012933, OMIM 612555. Disease mechanism: loss of function.

Submissions (8):

Evidence-based Network for the Interpretation of Germline Mutant Alleles (ENIGMA)
Classification: Pathogenic for Breast-ovarian cancer, familial, susceptibility to, 2. Last evaluated: 2016-09-08. Review status: reviewed by expert panel. Criteria: ENIGMA BRCA1/2 Classification Criteria (2015). Collection method: curation. Allele origin: germline.
Comment: Variant allele predicted to encode a truncated non-functional protein.

Ambry Genetics
Classification: Pathogenic for Hereditary cancer-predisposing syndrome. Last evaluated: 2023-06-30. Review status: criteria provided, single submitter. Criteria: Ambry Variant Classification Scheme 2023. Collection method: clinical testing. Allele origin: germline. Not counted in ClinVar's aggregate classification.
Comment: The c.8205_8206delCC pathogenic mutation, located in coding exon 17 of the BRCA2 gene, results from a deletion of two nucleotides at nucleotide positions 8205 to 8206, causing a translational frameshift with a predicted alternate stop codon(p.L2737Sfs*26). This variant is considered to be rare based on population cohorts in the Genome Aggregation Database (gnomAD). This alteration is expected to result in loss of function by premature protein truncation or nonsense-mediated mRNA decay. As such, this alteration is interpreted as a disease-causing mutation.

Women's Health and Genetics/Laboratory Corporation of America, LabCorp
Classification: Pathogenic for Hereditary breast ovarian cancer syndrome. Last evaluated: 2022-08-22. Review status: criteria provided, single submitter. Criteria: LabCorp Variant Classification Summary - May 2015. Collection method: clinical testing. Allele origin: germline. Not counted in ClinVar's aggregate classification.
Comment: Variant summary: BRCA2 c.8205_8206delCC (p.Leu2737SerfsX26) results in a premature termination codon, predicted to cause a truncation of the encoded protein or absence of the protein due to nonsense mediated decay, which are commonly known mechanisms for disease. To our knowledge, no experimental evidence demonstrating an impact on protein function has been reported, however, multiple truncations downstream of this position have been classified as pathogenic by our laboratory. The variant was absent in 250192 control chromosomes (gnomAD). c.8205_8206delCC has been reported in the literature in at least two individuals from families undergoing BRCA1/2 testing (e.g. Rebbeck_2018). Five submitters, including an expert panel (ENIGMA) have provided clinical-significance assessments for this variant to ClinVar after 2014 and all classified the variant as pathogenic. Based on the evidence outlined above, the variant was classified as pathogenic.

Sema4
Classification: Pathogenic for Hereditary cancer-predisposing syndrome. Last evaluated: 2022-03-10. Review status: criteria provided, single submitter. Criteria: Sema4 Curation Guidelines. Collection method: curation. Allele origin: germline. Not counted in ClinVar's aggregate classification.
Comment: To the best of our knowledge, the BRCA2 c.8205_8206delCC (p.L2737SfsX26) variant has not been reported in individuals with BRCA2-related disease. This variant causes a frameshift at amino acid 2737 that results in premature termination 26 amino acids downstream. At this location, this variant is predicted to cause loss of normal protein function either through protein truncation or nonsense-mediated mRNA decay. Loss of function variants in BRCA2 are known to be pathogenic (PMID: 29446198). This variant is not reported in the population database Genome Aggregation Database (PMID: 32461654), but has been reported in ClinVar (Variation ID: 38143). Based on the current evidence available, this variant is interpreted as pathogenic.

Labcorp Genetics (formerly Invitae), Labcorp
Classification: Pathogenic for Hereditary breast ovarian cancer syndrome. Last evaluated: 2021-09-24. Review status: criteria provided, single submitter. Criteria: Invitae Variant Classification Sherloc (09022015). Collection method: clinical testing. Allele origin: germline. Not counted in ClinVar's aggregate classification.
Comment: For these reasons, this variant has been classified as Pathogenic. ClinVar contains an entry for this variant (Variation ID: 38143). This premature translational stop signal has been observed in individual(s) with clinical features of BRCA2-related conditions (PMID: 21520333). This variant is not present in population databases (ExAC no frequency). This sequence change creates a premature translational stop signal (p.Leu2737Serfs*26) in the BRCA2 gene. It is expected to result in an absent or disrupted protein product. Loss-of-function variants in BRCA2 are known to be pathogenic (PMID: 20104584).

GeneDx
Classification: Pathogenic. Last evaluated: 2020-02-04. Review status: criteria provided, single submitter. Criteria: GeneDx Variant Classification Process June 2021. Collection method: clinical testing. Allele origin: germline. Affected: yes. Not counted in ClinVar's aggregate classification.
Comment: Frameshift variant predicted to result in protein truncation or nonsense mediated decay in a gene for which loss-of-function is a known mechanism of disease; Truncating variants in this gene are considered pathogenic by a well-established clinical consortium and/or database; Has not been previously published as pathogenic or benign to our knowledge; Not observed in large population cohorts (Lek 2016); Also known as 8433_8434delCC

Consortium of Investigators of Modifiers of BRCA1/2 (CIMBA), c/o University of Cambridge
Classification: Pathogenic for Breast-ovarian cancer, familial, susceptibility to, 2. Last evaluated: 2015-10-02. Review status: criteria provided, single submitter. Criteria: CIMBA Mutation Classification guidelines May 2016. Collection method: clinical testing. Allele origin: germline. Not counted in ClinVar's aggregate classification.

Sharing Clinical Reports Project (SCRP)
Classification: Pathogenic for Breast-ovarian cancer, familial 2. Last evaluated: 2008-02-14. Review status: no assertion criteria provided. Collection method: clinical testing. Allele origin: germline. Not counted in ClinVar's aggregate classification.

Literature cited by the submitters: PubMed 29446198 (cited by Women's Health and Genetics/Laboratory Corporation of America, LabCorp and Sema4); PubMed 21520333 (cited by Labcorp Genetics (formerly Invitae), Labcorp); PubMed 20104584 (cited by Labcorp Genetics (formerly Invitae), Labcorp).

NM_000059.4(BRCA2):c.8205_8206del (p.Leu2737fs)

Gene: BRCA2 (BRCA2 DNA repair associated; plus strand). Cytogenetic location: 13q13.1.
Variant type: Deletion.
Coding change: c.8205_8206del on transcript NM_000059.4 (MANE Select); coding-DNA positions 8205 to 8206, 2 bases deleted (CC; older notation c.8205_8206delCC).
Protein change: p.Leu2737fs; shifts the reading frame from leucine 2737.
Molecular consequence: frameshift variant.
Genome position (GRCh38, 1-based): chr13:32,363,407-32,363,408, CC deleted; deleting any 2 consecutive bases within chr13:32,363,405-32,363,408 gives the same sequence; the c. name uses the placement nearest the transcript's 3' end. VCF-style (leftmost placement, unchanged base first): chr13-32363404-TCC-T. GRCh37 (hg19) VCF-style: chr13-32937541-TCC-T.
Other names: 8433delCC; c.8205_8206delCC (NM_000059.3).
Identifiers: ClinVar variation 38143 (VCV000038143.17), dbSNP rs397507396, ClinGen allele CA025511.